The following is an entry in ClinVar:

ClinVar aggregate classification (germline): Uncertain significance. Review status: criteria provided, multiple submitters, no conflicts (2 of 4 stars). 2 submissions from 2 submitters: Uncertain significance (2). Last evaluated 2024-09-26.

Conditions:
Inborn genetic diseases. Identifiers: MedGen C0950123, MeSH D030342.

Allele frequency attached by ClinVar (database versions not stated): ExAC 0.00001; TOPMed 0.00001.
gnomAD v4.1: 6 of 1,613,564 alleles (0.00037%); highest among the groups gnomAD compares: East Asian, 0.0022%; no homozygotes.

Submissions (2):

Ambry Genetics
Classification: Uncertain significance for Inborn genetic diseases. Last evaluated: 2024-09-26. Review status: criteria provided, single submitter. Criteria: Ambry Variant Classification Scheme 2023. Collection method: clinical testing. Allele origin: germline.

Labcorp Genetics (formerly Invitae), Labcorp
Classification: Uncertain significance. Last evaluated: 2023-10-16. Review status: criteria provided, single submitter. Criteria: Invitae Variant Classification Sherloc (09022015). Collection method: clinical testing. Allele origin: germline.
Comment: This sequence change replaces valine, which is neutral and non-polar, with methionine, which is neutral and non-polar, at codon 88 of the DCHS1 protein (p.Val88Met). This variant is present in population databases (rs749530507, gnomAD 0.01%). This variant has not been reported in the literature in individuals affected with DCHS1-related conditions. Advanced modeling of protein sequence and biophysical properties (such as structural, functional, and spatial information, amino acid conservation, physicochemical variation, residue mobility, and thermodynamic stability) performed at Invitae indicates that this missense variant is not expected to disrupt DCHS1 protein function. In summary, the available evidence is currently insufficient to determine the role of this variant in disease. Therefore, it has been classified as a Variant of Uncertain Significance.

NM_003737.4(DCHS1):c.262G>A (p.Val88Met)

Gene: DCHS1 (dachsous cadherin-related 1; minus strand). Cytogenetic location: 11p15.4.
Variant type: single nucleotide variant.
Coding change: c.262G>A on transcript NM_003737.4 (MANE Select); coding-DNA position 262, G replaced by A.
Protein change: p.Val88Met; replaces valine 88 with methionine.
Molecular consequence: missense variant.
Genome position (GRCh38, 1-based): chr11:6,641,352, C>T on the plus strand (G>A on the coding strand, the complement: DCHS1 is on the minus strand). VCF-style: chr11-6641352-C-T. GRCh37 (hg19) VCF-style: chr11-6662583-C-T.
Other names: c.262G>A (NM_003737.2); short protein forms V88M.
Identifiers: ClinVar variation 2965937 (VCV002965937.4), dbSNP rs749530507, ClinGen allele CA5861184.